The following is an entry in ClinVar:

ClinVar aggregate classification (germline): Pathogenic (1 of 4 stars; one submission).

Submission:

Labcorp Genetics (formerly Invitae), Labcorp
Classification: Pathogenic. Last evaluated: 2021-05-13. Review status: criteria provided, single submitter. Criteria: Invitae Variant Classification Sherloc (09022015). Collection method: clinical testing. Allele origin: germline.
Comment: For these reasons, this variant has been classified as Pathogenic. This variant has not been reported in the literature in individuals with CPOX-related conditions. This variant is not present in population databases (ExAC no frequency). This sequence change creates a premature translational stop signal (p.Gln355*) in the CPOX gene. It is expected to result in an absent or disrupted protein product. Loss-of-function variants in CPOX are known to be pathogenic (PMID: 9888388).

Literature cited by the submitters: PubMed 9888388.

NM_000097.7(CPOX):c.1063C>T (p.Gln355Ter)

Gene: CPOX (coproporphyrinogen oxidase; minus strand). Cytogenetic location: 3q11.2.
Variant type: single nucleotide variant.
Coding change: c.1063C>T on transcript NM_000097.7 (MANE Select); coding-DNA position 1063, C replaced by T.
Protein change: p.Gln355Ter; replaces glutamine 355 with a stop codon.
Molecular consequence: nonsense.
Genome position (GRCh38, 1-based): chr3:98,585,550, G>A on the plus strand (C>T on the coding strand, the complement: CPOX is on the minus strand). VCF-style: chr3-98585550-G-A. GRCh37 (hg19) VCF-style: chr3-98304394-G-A.
Other names: short protein forms Q355*.
Identifiers: ClinVar variation 1353614 (VCV001353614.6), dbSNP rs2107120273, ClinGen allele CA353645028.